The following is an entry in ClinVar:

NC_000002.11:g.(?_135848548)_(135851283_?)dup

Gene: RAB3GAP1 (RAB3 GTPase activating protein catalytic subunit 1; plus strand). Cytogenetic location: 2q21.3.
Variant type: Duplication.
Identifiers: ClinVar variation 3247545 (VCV003247545.1).

ClinVar aggregate classification (germline): Likely pathogenic (1 of 4 stars; one submission).

Submission:

Labcorp Genetics (formerly Invitae), Labcorp
Classification: Likely pathogenic. Last evaluated: 2024-01-13. Review status: criteria provided, single submitter. Criteria: Invitae Variant Classification Sherloc (09022015). Collection method: clinical testing. Allele origin: unknown.
Comment: This variant results in a copy number gain of the genomic region encompassing exon(s) 4-5 of the RAB3GAP1 gene. While the exact position of this variant cannot be determined from the data, sub-genic copy number gains are generally in tandem (PMID: 25640679). This variant is predicted to be out-of-frame, and may result in an absent or disrupted protein product. Loss-of-function variants in RAB3GAP1 are known to be pathogenic (PMID: 23420520). This variant has not been reported in the literature in individuals affected with RAB3GAP1-related conditions. In summary, the currently available evidence indicates that the variant is pathogenic, but additional data are needed to prove that conclusively. Therefore, this variant has been classified as Likely Pathogenic.

Literature cited by the submitters: PubMed 25640679; PubMed 23420520.